The following is an entry in ClinVar:

NM_015340.4(LARS2):c.2572C>A (p.Gln858Lys)

Gene: LARS2 (leucyl-tRNA synthetase 2, mitochondrial; plus strand). Cytogenetic location: 3p21.31.
Variant type: single nucleotide variant.
Coding change: c.2572C>A on transcript NM_015340.4 (MANE Select); coding-DNA position 2572, C replaced by A.
Protein change: p.Gln858Lys; replaces glutamine 858 with lysine.
Molecular consequence: missense variant.
Genome position (GRCh38, 1-based): chr3:45,547,390, C>A. VCF-style: chr3-45547390-C-A. GRCh37 (hg19) VCF-style: chr3-45588882-C-A.
Other names: c.2572C>A, p.Gln858Lys (NM_001368263.1); short protein forms Q858K.
Identifiers: ClinVar variation 505168 (VCV000505168.18), dbSNP rs777893707, ClinGen allele CA2349948.

ClinVar aggregate classification (germline): Conflicting classifications of pathogenicity. Review status: criteria provided, conflicting classifications (1 of 4 stars). 8 submissions from 8 submitters: Uncertain significance (7); Likely benign (1). Last evaluated 2026-07-01.

Conditions:
Inborn genetic diseases. Identifiers: MedGen C0950123, MeSH D030342.
Hydrops-lactic acidosis-sideroblastic anemia-multisystemic failure syndrome. Also called: Hydrops, lactic acidosis, and sideroblastic anemia. Identifiers: Orphanet 528091, MedGen C4310761, MONDO:0014869, OMIM 617021.
Perrault syndrome 4 (PRLTS4). Identifiers: Orphanet 2855, MedGen C3809105, MONDO:0014126, OMIM 615300.
LARS2-related disorder. Also called: LARS2-related condition.

Allele frequency attached by ClinVar (database versions not stated): TOPMed below 0.00001; gnomAD 0.00001; gnomAD exomes 0.00003; ExAC 0.00005.
gnomAD v4.1: 73 of 1,612,044 alleles (0.0045%); highest among the groups gnomAD compares: Middle Eastern, 0.12%; no homozygotes.

Submissions (8):

PreventionGenetics, part of Exact Sciences
Classification: Uncertain significance for LARS2-related condition. Last evaluated: 2026-07-01. Review status: criteria provided, single submitter. Criteria: ACMG Guidelines, 2015. Collection method: clinical testing. Allele origin: germline.
Comment: The LARS2 c.2572C>A variant is predicted to result in the amino acid substitution p.Gln858Lys. This variant has been reported in the heterozygous state along with a second variant in LARS2 (c.1947C>A, p.Asp649Glu) in an individual with mitochondrial disease and was also reported in an individual with primary ovarian insufficiency (Nogueira et al 2019. PubMed ID: 30831263; Table S3, Nogueira et al. 2024. PubMed ID: 38465286). This variant is reported in 0.0055% of alleles in individuals of East Asian descent in gnomAD. At this time, the clinical significance of this variant is uncertain due to the absence of conclusive functional and genetic evidence.

Women's Health and Genetics/Laboratory Corporation of America, LabCorp
Classification: Uncertain significance. Last evaluated: 2025-11-03. Review status: criteria provided, single submitter. Criteria: LabCorp Variant Classification Summary - May 2015. Collection method: clinical testing. Allele origin: germline.
Comment: Variant summary: LARS2 c.2572C>A (p.Gln858Lys) results in a conservative amino acid change in the encoded protein sequence. Algorithms developed to predict the effect of missense changes on protein structure and function all suggest that this variant is likely to be tolerated. The variant allele was found at a frequency of 2.8e-05 in 248598 control chromosomes. The available data on variant occurrences in the general population are insufficient to allow any conclusion about variant significance. c.2572C>A has been observed in an individual affected with suspected mitochondriam disorder without clear evidence for causality (Nogueira_2019, Nogueira_2024). These reports do not provide unequivocal conclusions about association of the variant with LARS2-Related Disorders. To our knowledge, no experimental evidence demonstrating an impact on protein function has been reported. The following publications have been ascertained in the context of this evaluation (PMID: 38465286, 30831263). ClinVar contains an entry for this variant (Variation ID: 505168). Based on the evidence outlined above, the variant was classified as uncertain significance.

GeneDx
Classification: Uncertain significance. Last evaluated: 2025-10-01. Review status: criteria provided, single submitter. Criteria: GeneDx Variant Classification Process June 2021. Collection method: clinical testing. Allele origin: germline. Affected: yes.
Comment: Identified with p.(D649E) in LARS2 a patient with suspected mitochondrial disease and in a patient with primary ovarian insufficiency; the phase of these variants was not reported (PMID: 30831263, 36099812); Not observed at significant frequency in large population cohorts (gnomAD); In silico analysis suggests that this missense variant does not alter protein structure/function; This variant is associated with the following publications: (PMID: 36099812, 30831263, 38465286)

Labcorp Genetics (formerly Invitae), Labcorp
Classification: Uncertain significance. Last evaluated: 2025-09-28. Review status: criteria provided, single submitter. Criteria: Invitae Variant Classification Sherloc (09022015). Collection method: clinical testing. Allele origin: germline.
Comment: This sequence change replaces glutamine, which is neutral and polar, with lysine, which is basic and polar, at codon 858 of the LARS2 protein (p.Gln858Lys). This variant is present in population databases (rs777893707, gnomAD 0.006%). This missense change has been observed in individual(s) with clinical features of LARS2-related conditions (PMID: 30831263, 36099812). ClinVar contains an entry for this variant (Variation ID: 505168). Invitae Evidence Modeling of protein sequence and biophysical properties (such as structural, functional, and spatial information, amino acid conservation, physicochemical variation, residue mobility, and thermodynamic stability) indicates that this missense variant is not expected to disrupt LARS2 protein function with a negative predictive value of 80%. In summary, the available evidence is currently insufficient to determine the role of this variant in disease. Therefore, it has been classified as a Variant of Uncertain Significance.

3billion
Classification: Likely benign for Hydrops-lactic acidosis-sideroblastic anemia-multisystemic failure syndrome; Perrault syndrome 4. Last evaluated: 2024-09-20. Review status: criteria provided, single submitter. Criteria: ACMG Guidelines, 2015. Collection method: clinical testing. Allele origin: germline. Affected: no.
Comment: The homozygous variant was found in patients diagnosed with another variant in a different gene, with no symptoms related to the gene containing the homozygous variant.

Ambry Genetics
Classification: Uncertain significance for Inborn genetic diseases. Last evaluated: 2022-05-13. Review status: criteria provided, single submitter. Criteria: Ambry Variant Classification Scheme 2023. Collection method: clinical testing. Allele origin: germline.

Revvity Omics, Revvity
Classification: Uncertain significance. Last evaluated: 2021-03-12. Review status: criteria provided, single submitter. Criteria: ACMG Guidelines, 2015. Collection method: clinical testing. Allele origin: germline.

Laboratory for Molecular Medicine, Mass General Brigham Personalized Medicine
Classification: Uncertain significance. Last evaluated: 2016-06-28. Review status: criteria provided, single submitter. Criteria: LMM Criteria. Collection method: clinical testing. Allele origin: germline. Observed: 1 variant allele.
Comment: Variant classified as Uncertain Significance - Favor Benign. The p.Gln858Lys var iant in LARS2 has not been previously reported in individuals with hearing loss, but has been identified in 6/66474 European chromosomes by the Exome Aggregatio n Consortium (ExAC; dbSNP rs777893707). Although this variant has been seen in the general population, its frequency is not high enough to rule out a pathogenic role. The glutamine (Gln) residue at position 8 58 is not conserved in mammals or evolutionarily distant species and one mammal (tenrec) carries a lysine (Lys), supporting that the change at this position may be tolerated. Additional computational prediction tools suggest that the p.Gln 858Lys variant may not impact the protein, though this information is not predic tive enough to rule out pathogenicity. In summary, while the clinical significan ce of the p.Gln858Lys variant is uncertain, available data suggest that it is mo re likely to be benign.

Literature cited by the submitters: PubMed 30831263 (cited by 3 submitters); PubMed 38465286 (cited by Women's Health and Genetics/Laboratory Corporation of America, LabCorp); PubMed 36099812 (cited by Labcorp Genetics (formerly Invitae), Labcorp).